The following is an entry in ClinVar:

ClinVar aggregate classification (germline): Conflicting classifications of pathogenicity. Review status: criteria provided, conflicting classifications (1 of 4 stars). 3 submissions from 3 submitters: Uncertain significance (1); Likely benign (2). Last evaluated 2026-06-16.

Conditions:
Polyps, multiple and recurrent inflammatory fibroid, gastrointestinal. Identifiers: MedGen C5193005, MONDO:0008285, OMIM 175510.
Hereditary cancer-predisposing syndrome. Also called: Hereditary Cancer Syndrome; Tumor predisposition; Neoplastic Syndromes, Hereditary; Hereditary neoplastic syndrome. Identifiers: Orphanet 140162, MedGen C0027672, MeSH D009386, MONDO:0015356.
Gastrointestinal stromal tumor. Also called: Gastrointestinal stromal tumor, somatic; Gastrointestinal stroma tumor. Identifiers: Orphanet 44890, MedGen C0238198, MeSH D046152, MONDO:0011719, OMIM 606764, HP:0100723.

Allele frequency attached by ClinVar (database versions not stated): gnomAD exomes 0.00001; TOPMed 0.00001; ExAC 0.00002.
gnomAD v4.1: 6 of 1,613,936 alleles (0.00037%); highest among the groups gnomAD compares: Non-Finnish European, 0.00042%; no homozygotes.

Submissions (3):

Myriad Genetics, Inc.
Classification: Likely benign for Polyps, multiple and recurrent inflammatory fibroid, gastrointestinal. Last evaluated: 2026-06-16. Review status: criteria provided, single submitter. Criteria: Myriad Autosomal Dominant, Autosomal Recessive and X-Linked Classification Criteria (2023). Collection method: clinical testing. Allele origin: unknown.
Comment: This variant is considered likely benign. This variant has been observed at a population frequency that is significantly greater than expected given the associated disease prevalence and penetrance.

Labcorp Genetics (formerly Invitae), Labcorp
Classification: Uncertain significance for Gastrointestinal stromal tumor. Last evaluated: 2024-12-26. Review status: criteria provided, single submitter. Criteria: Invitae Variant Classification Sherloc (09022015). Collection method: clinical testing. Allele origin: germline.
Comment: This sequence change replaces serine, which is neutral and polar, with leucine, which is neutral and non-polar, at codon 1042 of the PDGFRA protein (p.Ser1042Leu). This variant is present in population databases (rs764265933, gnomAD 0.003%). This variant has not been reported in the literature in individuals affected with PDGFRA-related conditions. ClinVar contains an entry for this variant (Variation ID: 582160). An algorithm developed to predict the effect of missense changes on protein structure and function (PolyPhen-2) suggests that this variant is likely to be disruptive. In summary, the available evidence is currently insufficient to determine the role of this variant in disease. Therefore, it has been classified as a Variant of Uncertain Significance.

Ambry Genetics
Classification: Likely benign for Hereditary cancer-predisposing syndrome. Last evaluated: 2024-08-20. Review status: criteria provided, single submitter. Criteria: Ambry Variant Classification Scheme 2023. Collection method: clinical testing. Allele origin: germline.

NM_006206.6(PDGFRA):c.3125C>T (p.Ser1042Leu)

Gene: PDGFRA (platelet derived growth factor receptor alpha; plus strand). Cytogenetic location: 4q12.
Variant type: single nucleotide variant.
Coding change: c.3125C>T on transcript NM_006206.6 (MANE Select); coding-DNA position 3125, C replaced by T.
Protein change: p.Ser1042Leu; replaces serine 1042 with leucine.
Molecular consequence: missense variant.
Genome position (GRCh38, 1-based): chr4:54,295,127, C>T. VCF-style: chr4-54295127-C-T. GRCh37 (hg19) VCF-style: chr4-55161294-C-T.
Other names: c.3200C>T, p.Ser1067Leu (NM_001347828.2); c.3125C>T, p.Ser1042Leu (NM_001347829.2); c.3164C>T, p.Ser1055Leu (NM_001347830.2); short protein forms S1042L, S1055L, S1067L.
Identifiers: ClinVar variation 582160 (VCV000582160.10), dbSNP rs764265933, ClinGen allele CA2923045.